The following is an entry in ClinVar:

ClinVar aggregate classification (germline): Likely pathogenic (1 of 4 stars; one submission).

Submission:

GeneDx
Classification: Likely pathogenic. Last evaluated: 2025-01-30. Review status: criteria provided, single submitter. Criteria: GeneDx Variant Classification Process June 2021. Collection method: clinical testing. Allele origin: germline. Affected: yes.
Comment: Not observed at significant frequency in large population cohorts (gnomAD); In silico analysis supports that this missense variant has a deleterious effect on protein structure/function; This variant is associated with the following publications: (PMID: 22117175, 36732661)

NM_000141.5(FGFR2):c.184T>C (p.Cys62Arg)

Gene: FGFR2 (fibroblast growth factor receptor 2; minus strand). Cytogenetic location: 10q26.13.
Variant type: single nucleotide variant.
Coding change: c.184T>C on transcript NM_000141.5 (MANE Select); coding-DNA position 184, T replaced by C.
Protein change: p.Cys62Arg; replaces cysteine 62 with arginine.
Molecular consequence: missense variant. On other transcripts: intron variant (9).
Genome position (GRCh38, 1-based): chr10:121,565,630, A>G on the plus strand (T>C on the coding strand, the complement: FGFR2 is on the minus strand). VCF-style: chr10-121565630-A-G. GRCh37 (hg19) VCF-style: chr10-123325144-A-G.
Other names: c.110-1051T>C (NM_001441088.1, NM_001144915.2, NM_001144919.2 and 2 more transcripts); c.110-14171T>C (NM_001144916.2, NM_001144918.2, NM_001441091.1 and 1 more transcripts); c.184T>C, p.Cys62Arg (NM_001144913.1, NM_001144914.1, NM_001144917.2 and 3 more transcripts); short protein forms C62R.
Identifiers: ClinVar variation 4072434 (VCV004072434.1).